The following is an entry in ClinVar:

ClinVar aggregate classification (germline): Benign/Likely benign. Review status: criteria provided, multiple submitters, no conflicts (2 of 4 stars). 8 submissions from 8 submitters: Benign (1); Likely benign (6). 1 of the submissions does not count toward it. Last evaluated 2026-01-26.

Conditions:
KMT2A-related disorder. Also called: KMT2A-related condition.
Inborn genetic diseases. Identifiers: MedGen C0950123, MeSH D030342.

Allele frequency attached by ClinVar (database versions not stated): gnomAD 0.00052 and 0.00065; ESP Exome Variant Server 0.00054; TOPMed 0.00073.
gnomAD v4.1: 1,236 of 1,614,036 alleles (0.077%); highest among the groups gnomAD compares: Middle Eastern, 0.23%; 1 homozygote.

Submissions (8):

Labcorp Genetics (formerly Invitae), Labcorp
Classification: Likely benign. Last evaluated: 2026-01-26. Review status: criteria provided, single submitter. Criteria: Invitae Variant Classification Sherloc (09022015). Collection method: clinical testing. Allele origin: germline.

CeGaT Center for Human Genetics Tuebingen
Classification: Likely benign. Last evaluated: 2025-04-01. Review status: criteria provided, single submitter. Criteria: CeGaT Center For Human Genetics Tuebingen Variant Classification Criteria Version 2. Collection method: clinical testing. Allele origin: germline. Affected: yes. Observed: 6 variant alleles.
Comment: KMT2A: BS1

Blueprint Genetics
Classification: Likely benign. Last evaluated: 2024-11-07. Review status: criteria provided, single submitter. Criteria: ACMG Guidelines, 2015. Collection method: clinical testing. Allele origin: germline.

Ambry Genetics
Classification: Likely benign for Inborn genetic diseases. Last evaluated: 2021-09-29. Review status: criteria provided, single submitter. Criteria: Ambry Variant Classification Scheme 2023. Collection method: clinical testing. Allele origin: germline.

GeneDx
Classification: Benign. Last evaluated: 2021-08-23. Review status: criteria provided, single submitter. Criteria: GeneDx Variant Classification Process June 2021. Collection method: clinical testing. Allele origin: germline. Affected: yes.

Center for Pediatric Genomic Medicine, Children's Mercy Hospital and Clinics
Classification: Likely benign. Last evaluated: 2017-08-30. Review status: criteria provided, single submitter. Criteria: ACMG Guidelines, 2015. Collection method: clinical testing. Allele origin: germline.

Breakthrough Genomics
Classification: Likely benign. Review status: criteria provided, single submitter. Criteria: ACMG Guidelines, 2015. Collection method: not provided. Allele origin: germline. Inheritance: Autosomal dominant inheritance. Affected: yes.

PreventionGenetics, part of Exact Sciences
Classification: Likely benign for KMT2A-related condition. Last evaluated: 2021-09-15. Review status: no assertion criteria provided. Collection method: clinical testing. Allele origin: germline. Not counted in ClinVar's aggregate classification.
Comment: This variant is classified as likely benign based on ACMG/AMP sequence variant interpretation guidelines (Richards et al. 2015 PMID: 25741868, with internal and published modifications).

NM_001197104.2(KMT2A):c.2726G>A (p.Gly909Asp)

Gene: KMT2A (lysine methyltransferase 2A; plus strand). Cytogenetic location: 11q23.3.
Variant type: single nucleotide variant.
Coding change: c.2726G>A on transcript NM_001197104.2 (MANE Select); coding-DNA position 2726, G replaced by A.
Protein change: p.Gly909Asp; replaces glycine 909 with aspartic acid.
Molecular consequence: missense variant.
Genome position (GRCh38, 1-based): chr11:118,473,885, G>A. VCF-style: chr11-118473885-G-A. GRCh37 (hg19) VCF-style: chr11-118344600-G-A.
Other names: c.2726G>A, p.Gly909Asp (NM_005933.4); short protein forms G909D.
Identifiers: ClinVar variation 445356 (VCV000445356.48), dbSNP rs139227835, ClinGen allele CA6303548.